The following is an entry in ClinVar:

ClinVar aggregate classification (germline): Uncertain significance. Review status: criteria provided, multiple submitters, no conflicts (2 of 4 stars). 2 submissions from 2 submitters: Uncertain significance (2). Last evaluated 2024-04-27.

Conditions:
Inborn genetic diseases. Identifiers: MedGen C0950123, MeSH D030342.
Aortic valve disease 2 (AOVD2). Identifiers: MedGen C3542024, MONDO:0013902, OMIM 614823.

Allele frequency attached by ClinVar (database versions not stated): gnomAD exomes 0.00001; TOPMed 0.00001; gnomAD 0.00002.

Submissions (2):

Ambry Genetics
Classification: Uncertain significance for Inborn genetic diseases. Last evaluated: 2024-04-27. Review status: criteria provided, single submitter. Criteria: Ambry Variant Classification Scheme 2023. Collection method: clinical testing. Allele origin: germline.
Comment: The p.S27N variant (also known as c.80G>A), located in coding exon 1 of the SMAD6 gene, results from a G to A substitution at nucleotide position 80. The serine at codon 27 is replaced by asparagine, an amino acid with highly similar properties. This amino acid position is conserved. In addition, this alteration is predicted to be tolerated by in silico analysis. Based on the available evidence, the clinical significance of this variant remains unclear.

Labcorp Genetics (formerly Invitae), Labcorp
Classification: Uncertain significance for Aortic valve disease 2. Last evaluated: 2022-07-19. Review status: criteria provided, single submitter. Criteria: Invitae Variant Classification Sherloc (09022015). Collection method: clinical testing. Allele origin: germline.
Comment: This sequence change replaces serine, which is neutral and polar, with asparagine, which is neutral and polar, at codon 27 of the SMAD6 protein (p.Ser27Asn). In summary, the available evidence is currently insufficient to determine the role of this variant in disease. Therefore, it has been classified as a Variant of Uncertain Significance. Algorithms developed to predict the effect of missense changes on protein structure and function (SIFT, PolyPhen-2, Align-GVGD) all suggest that this variant is likely to be tolerated. ClinVar contains an entry for this variant (Variation ID: 578329). This variant has not been reported in the literature in individuals affected with SMAD6-related conditions. This variant is present in population databases (no rsID available, gnomAD 0.002%).

NM_005585.5(SMAD6):c.80G>A (p.Ser27Asn)

Gene: SMAD6 (SMAD family member 6; plus strand). Cytogenetic location: 15q22.31.
Variant type: single nucleotide variant.
Coding change: c.80G>A on transcript NM_005585.5 (MANE Select); coding-DNA position 80, G replaced by A.
Protein change: p.Ser27Asn; replaces serine 27 with asparagine.
Molecular consequence: missense variant. On other transcripts: non-coding transcript variant (1).
Genome position (GRCh38, 1-based): chr15:66,703,338, G>A. VCF-style: chr15-66703338-G-A. GRCh37 (hg19) VCF-style: chr15-66995676-G-A.
Other names: short protein forms S27N.
Identifiers: ClinVar variation 578329 (VCV000578329.10), dbSNP rs1448725205, ClinGen allele CA392948477.